The following is an entry in ClinVar:

ClinVar aggregate classification (germline): Uncertain significance (1 of 4 stars; one submission).

Conditions:
Primary dilated cardiomyopathy (DCM). Also called: Dilated Cardiomyopathy. Identifiers: Orphanet 217604, MedGen C0007193, MeSH D002311, MONDO:0005021, HP:0001644. Inheritance: Various modes of inheritance.

Submission:

Labcorp Genetics (formerly Invitae), Labcorp
Classification: Uncertain significance for Primary dilated cardiomyopathy. Last evaluated: 2023-09-25. Review status: criteria provided, single submitter. Criteria: Invitae Variant Classification Sherloc (09022015). Collection method: clinical testing. Allele origin: unknown.
Comment: In summary, the available evidence is currently insufficient to determine the role of this variant in disease. Therefore, it has been classified as a Variant of Uncertain Significance. This variant has not been reported in the literature in individuals affected with TXNRD2-related conditions. This variant is a gross deletion of the genomic region encompassing exon(s) 9-11 of the TXNRD2 gene. This deletion is out-of-frame, and is expected to create a premature translational stop signal and result in an absent or disrupted protein product. However, the current clinical and genetic evidence is not sufficient to establish whether loss-of-function variants in TXNRD2 cause disease.

NC_000022.10:g.(?_19882910)_(19886611_?)del

Gene: TXNRD2 (thioredoxin reductase 2; minus strand). Cytogenetic location: 22q11.21.
Variant type: Deletion.
Identifiers: ClinVar variation 3246982 (VCV003246982.1).